The following is an entry in ClinVar:

ClinVar aggregate classification (germline): Uncertain significance (1 of 4 stars; one submission).

Conditions:
Congenital sideroblastic anemia-B-cell immunodeficiency-periodic fever-developmental delay syndrome. Also called: Sideroblastic anemia with B-cell immunodeficiency, periodic fevers, and developmental delay. Identifiers: Orphanet 369861, MedGen C4015172, MONDO:0014487, OMIM 616084.

Submission:

Labcorp Genetics (formerly Invitae), Labcorp
Classification: Uncertain significance for Congenital sideroblastic anemia-B-cell immunodeficiency-periodic fever-developmental delay syndrome. Last evaluated: 2022-04-04. Review status: criteria provided, single submitter. Criteria: Invitae Variant Classification Sherloc (09022015). Collection method: clinical testing. Allele origin: germline.
Comment: In summary, the available evidence is currently insufficient to determine the role of this variant in disease. Therefore, it has been classified as a Variant of Uncertain Significance. Algorithms developed to predict the effect of missense changes on protein structure and function are either unavailable or do not agree on the potential impact of this missense change (SIFT: "Deleterious"; PolyPhen-2: "Probably Damaging"; Align-GVGD: "Class C0"). This variant has not been reported in the literature in individuals affected with TRNT1-related conditions. This variant is not present in population databases (gnomAD no frequency). This sequence change replaces arginine, which is basic and polar, with threonine, which is neutral and polar, at codon 60 of the TRNT1 protein (p.Arg60Thr).

NM_182916.3(TRNT1):c.179G>C (p.Arg60Thr)

Gene: TRNT1 (tRNA nucleotidyl transferase 1; plus strand). Cytogenetic location: 3p26.2.
Variant type: single nucleotide variant.
Coding change: c.179G>C on transcript NM_182916.3 (MANE Select); coding-DNA position 179, G replaced by C.
Protein change: p.Arg60Thr; replaces arginine 60 with threonine.
Molecular consequence: missense variant. On other transcripts: non-coding transcript variant (8).
Genome position (GRCh38, 1-based): chr3:3,137,290, G>C. VCF-style: chr3-3137290-G-C. GRCh37 (hg19) VCF-style: chr3-3178974-G-C.
Other names: c.179G>C, p.Arg60Thr (NM_001302946.2, NM_001367321.1, NM_001367322.1 and 1 more transcripts); short protein forms R60T.
Identifiers: ClinVar variation 1922381 (VCV001922381.3), dbSNP rs1283386278, ClinGen allele CA351442982.